The following is an entry in ClinVar:

ClinVar aggregate classification (germline): Pathogenic (1 of 4 stars; one submission).

Conditions:
Seizures, benign familial infantile, 3 (BFIS3). Also called: CONVULSIONS, BENIGN FAMILIAL INFANTILE, 3; Familial neonatal seizures. Identifiers: Orphanet 140927, Orphanet 306, MedGen C1843140, MONDO:0011904, OMIM 607745.
Developmental and epileptic encephalopathy, 11 (DEE11). Also called: Early infantile epileptic encephalopathy 11. Identifiers: Orphanet 1934, MedGen C3150987, MONDO:0013388, OMIM 613721.

Submissions (2):

Labcorp Genetics (formerly Invitae), Labcorp
Classification: Pathogenic for Seizures, benign familial infantile, 3; Developmental and epileptic encephalopathy, 11. Last evaluated: 2022-07-11. Review status: criteria provided, single submitter. Criteria: Invitae Variant Classification Sherloc (09022015). Collection method: clinical testing. Allele origin: germline.
Comment: This sequence change replaces alanine, which is neutral and non-polar, with threonine, which is neutral and polar, at codon 263 of the SCN2A protein (p.Ala263Thr). This variant is not present in population databases (gnomAD no frequency). Algorithms developed to predict the effect of missense changes on protein structure and function are either unavailable or do not agree on the potential impact of this missense change (SIFT: "Deleterious"; PolyPhen-2: "Probably Damaging"; Align-GVGD: "Class C0"). For these reasons, this variant has been classified as Pathogenic. This variant disrupts the p.Ala263 amino acid residue in SCN2A. Other variant(s) that disrupt this residue have been determined to be pathogenic (PMID: 20956790, 26645390, 27159988, 28065826). This suggests that this residue is clinically significant, and that variants that disrupt this residue are likely to be disease-causing. ClinVar contains an entry for this variant (Variation ID: 1070304). This missense change has been observed in individual(s) with early-onset epileptic encephalopathies (PMID: 23935176). In at least one individual the variant was observed to be de novo.

Channelopathy-Associated Epilepsy Research Center
No classification provided (evidence only). Condition: Complex neurodevelopmental disorder. Review status: no classification provided. Collection method: literature only. Allele origin: not applicable. Functional consequence: Overall gain-of-function, Increase in persistent current. Not counted in ClinVar's aggregate classification.
ClinVar note: "not provided" was previously submitted as the classification for the variant. However, the classification appeared to be based only on an observation of functional data so it was converted to no classification on 2025-07-30.

Literature cited by the submitters: PubMed 20956790 (cited by Labcorp Genetics (formerly Invitae), Labcorp); PubMed 26645390 (cited by Labcorp Genetics (formerly Invitae), Labcorp and Channelopathy-Associated Epilepsy Research Center); PubMed 27159988 (cited by Labcorp Genetics (formerly Invitae), Labcorp); PubMed 28065826 (cited by Labcorp Genetics (formerly Invitae), Labcorp); PubMed 23935176 (cited by Labcorp Genetics (formerly Invitae), Labcorp).

NM_001040142.2(SCN2A):c.787G>A (p.Ala263Thr)

Gene: SCN2A (sodium voltage-gated channel alpha subunit 2; plus strand). Cytogenetic location: 2q24.3.
Variant type: single nucleotide variant.
Coding change: c.787G>A on transcript NM_001040142.2 (MANE Select); coding-DNA position 787, G replaced by A.
Protein change: p.Ala263Thr; replaces alanine 263 with threonine.
Molecular consequence: missense variant.
Genome position (GRCh38, 1-based): chr2:165,310,412, G>A. VCF-style: chr2-165310412-G-A. GRCh37 (hg19) VCF-style: chr2-166166922-G-A.
Other names: c.787G>A, p.Ala263Thr (NM_001040143.2, NM_001371246.1, NM_001371247.1 and 1 more transcripts); short protein forms A263T.
Identifiers: ClinVar variation 1070304 (VCV001070304.11), dbSNP rs1697364931, ClinGen allele CA349018089.
Genomic context (GRCh38, chr2:165,310,412, plus strand): 5'-CAGTCAGTGAAGAAGCTTTCTGATGTCATGATCTTGACTGTGTTCTGTCTAAGCGTGTTT[G>A]CGCTAATAGGATTGCAGTTGTTCATGGGCAACCTACGAAATAAATGTTTGCAATGGCCTC-3'
Protein context (NP_001035232.1, residues 253-273): ILTVFCLSVF[Ala263Thr]LIGLQLFMGN